The following is an entry in ClinVar:

NM_017934.7(PHIP):c.3470G>T (p.Gly1157Val)

Genes: IRAK1BP1 (interleukin 1 receptor associated kinase 1 binding protein 1; plus strand), PHIP (PHIP subunit of CUL4-Ring ligase complex; minus strand). Cytogenetic location: 6q14.1.
Variant type: single nucleotide variant.
Coding change: c.3470G>T on transcript NM_017934.7 (MANE Select); coding-DNA position 3470, G replaced by T.
Protein change: p.Gly1157Val; replaces glycine 1157 with valine.
Molecular consequence: missense variant.
Genome position (GRCh38, 1-based): chr6:78,963,162, C>A on the plus strand (G>T on the coding strand, the complement: PHIP is on the minus strand). VCF-style: chr6-78963162-C-A. GRCh37 (hg19) VCF-style: chr6-79672879-C-A.
Other names: short protein forms G1157V.
Identifiers: ClinVar variation 2778638 (VCV002778638.3), dbSNP rs1766900398, ClinGen allele CA364646296.
Genomic context (GRCh38, chr6:78,963,162, plus strand): 5'-GTCATCAACTGGTTTATTCCTGCCACAATTCTTTCACATTCTTCATCCCTGGGATTGGTA[C>A]CCCATTCTCCATCAAGAGGTTTATAGATTAGTGATCTGCACTCACCATCAGTTAAAGGAA-3'
Protein context (NP_060404.4, residues 1147-1167): LIYKPLDGEW[Gly1157Val]TNPRDEECER

ClinVar aggregate classification (germline): Uncertain significance (1 of 4 stars; one submission).

Submission:

Labcorp Genetics (formerly Invitae), Labcorp
Classification: Uncertain significance. Last evaluated: 2023-01-08. Review status: criteria provided, single submitter. Criteria: Invitae Variant Classification Sherloc (09022015). Collection method: clinical testing. Allele origin: germline.
Comment: Advanced modeling of protein sequence and biophysical properties (such as structural, functional, and spatial information, amino acid conservation, physicochemical variation, residue mobility, and thermodynamic stability) performed at Invitae indicates that this missense variant is expected to disrupt PHIP protein function. In summary, the available evidence is currently insufficient to determine the role of this variant in disease. Therefore, it has been classified as a Variant of Uncertain Significance. This variant has not been reported in the literature in individuals affected with PHIP-related conditions. This variant is not present in population databases (gnomAD no frequency). This sequence change replaces glycine, which is neutral and non-polar, with valine, which is neutral and non-polar, at codon 1157 of the PHIP protein (p.Gly1157Val).